The following is an entry in ClinVar:

ClinVar aggregate classification (germline): Pathogenic. Review status: criteria provided, multiple submitters, no conflicts (2 of 4 stars). 3 submissions from 3 submitters: Pathogenic (2). 1 of the submissions does not count toward it. Last evaluated 2026-01-26.

Conditions:
Retinal dystrophy. Also called: Inherited retinal dystrophy. Identifiers: Orphanet 71862, MedGen C0854723, MeSH D058499, MONDO:0019118, HP:0000556.
RPGR-related disorder. Also called: RPGR-related condition.
Primary ciliary dyskinesia. Also called: Ciliary dyskinesia. Identifiers: Orphanet 244, MedGen C0008780, MONDO:0016575, HP:0012265.

Submissions (3):

Labcorp Genetics (formerly Invitae), Labcorp
Classification: Pathogenic for Primary ciliary dyskinesia. Last evaluated: 2026-01-26. Review status: criteria provided, single submitter. Criteria: Invitae Variant Classification Sherloc (09022015). Collection method: clinical testing. Allele origin: germline.
Comment: This sequence change creates a premature translational stop signal (p.Glu879Lysfs*210) in the RPGR (ORF15) gene. While this is not anticipated to result in nonsense mediated decay, it is expected to disrupt the last 274 amino acid(s) of the RPGR (ORF15) protein. The frequency data for this variant in the population databases is considered unreliable, as metrics indicate insufficient coverage at this position in the gnomAD database. This premature translational stop signal has been observed in individual(s) with retinitis pigmentosa (PMID: 30193314). ClinVar contains an entry for this variant (Variation ID: 1984631). This variant disrupts a region of the RPGR (ORF15) protein in which other variant(s) (p.Leu1130Lysfs*13) have been determined to be pathogenic (PMID: 22264887; internal data). This suggests that this is a clinically significant region of the protein, and that variants that disrupt it are likely to be disease-causing. For these reasons, this variant has been classified as Pathogenic.

Blueprint Genetics
Classification: Pathogenic for RPGR-related disorders. Last evaluated: 2022-02-09. Review status: criteria provided, single submitter. Criteria: ACMG Guidelines, 2015. Collection method: clinical testing. Allele origin: germline. Affected: yes. Observed: 5 variant alleles.

Institute of Human Genetics, Univ. Regensburg, Univ. Regensburg
Classification: Likely pathogenic for Retinal dystrophy. Last evaluated: 2007-01-01. Review status: no assertion criteria provided. Criteria: ACMG Guidelines, 2015. Collection method: clinical testing. Allele origin: germline. Affected: yes. Not counted in ClinVar's aggregate classification.

Literature cited by the submitters: PubMed 30193314 (cited by Labcorp Genetics (formerly Invitae), Labcorp); PubMed 22264887 (cited by Labcorp Genetics (formerly Invitae), Labcorp).

NM_001034853.2(RPGR):c.2635del (p.Glu879fs)

Gene: RPGR (retinitis pigmentosa GTPase regulator; minus strand). Cytogenetic location: Xp11.4.
Variant type: Deletion.
Coding change: c.2635del on transcript NM_001034853.2 (MANE Select); coding-DNA position 2635, one base deleted (G; older notation c.2635delG).
Protein change: p.Glu879fs; shifts the reading frame from glutamic acid 879.
Molecular consequence: frameshift variant. On other transcripts: intron variant (8).
Genome position (GRCh38, 1-based): chrX:38,286,364, C deleted on the plus strand (G on the coding strand, the reverse complement: RPGR is on the minus strand); the first of 5 consecutive C bases (chrX:38,286,364-38,286,368); deleting any one gives the same sequence. VCF-style (leftmost placement, unchanged base first): chrX-38286363-TC-T. GRCh37 (hg19) VCF-style: chrX-38145616-TC-T.
Other names: c.1569+4595del (NM_001367249.1, NM_001367250.1); c.1902+730del (NM_001367245.1); c.1386+4595del (NM_001367251.1); c.1719+730del (NM_001367246.1); c.1572+4595del (NM_001367247.1); c.1905+730del (NM_000328.3); c.1602+4595del (NM_001367248.1); short protein forms E879fs.
Identifiers: ClinVar variation 1984631 (VCV001984631.6), dbSNP rs2519788713, ClinGen allele CA2580100892.